The following is an entry in ClinVar:

ClinVar aggregate classification (germline): Pathogenic/Likely pathogenic. Review status: criteria provided, multiple submitters, no conflicts (2 of 4 stars). 9 submissions from 9 submitters: Pathogenic (8); Likely pathogenic (1). Last evaluated 2026-02-01.

Conditions:
Autosomal recessive juvenile Parkinson disease 2. Also called: Parkinson disease autosomal recessive, early onset; Juvenile parkinsonism; Parkinsonism, early onset, with diurnal fluctuation; Parkinson disease, juvenile, type 2; PRKN-Related Early-Onset Parkinson Disease; PARKINSON DISEASE, JUVENILE, AUTOSOMAL RECESSIVE. Identifiers: Orphanet 2828, MedGen C1868675, MONDO:0010820, OMIM 600116.
Ovarian cancer. Also called: OVARIAN CANCER, SOMATIC. Identifiers: Orphanet 213500, MedGen C1140680, MONDO:0008170, OMIM 167000.
Lung cancer. Also called: Lung cancer, somatic; Malignant tumor of lung. Identifiers: MedGen C0242379, MONDO:0008903, OMIM 211980.

Allele frequency attached by ClinVar (database versions not stated): gnomAD 0.00016; gnomAD exomes 0.00026 and 0.00011; ExAC 0.00010; ESP Exome Variant Server 0.00016.

Submissions (9):

CeGaT Center for Human Genetics Tuebingen
Classification: Pathogenic. Last evaluated: 2026-02-01. Review status: criteria provided, single submitter. Criteria: CeGaT Center For Human Genetics Tuebingen Variant Classification Criteria Version 2. Collection method: clinical testing. Allele origin: germline. Affected: yes. Observed: 1 variant allele.
Comment: PRKN: PM3:Very Strong, PVS1, PM2

Labcorp Genetics (formerly Invitae), Labcorp
Classification: Pathogenic. Last evaluated: 2024-12-15. Review status: criteria provided, single submitter. Criteria: Invitae Variant Classification Sherloc (09022015). Collection method: clinical testing. Allele origin: germline.
Comment: This sequence change creates a premature translational stop signal (p.Pro113Thrfs*51) in the PRKN gene. It is expected to result in an absent or disrupted protein product. Loss-of-function variants in PRKN are known to be pathogenic (PMID: 10072423, 20301651, 22956510). This variant is present in population databases (rs771529549, gnomAD 0.03%). This premature translational stop signal has been observed in individual(s) with Parkinson disease (PMID: 19636047). ClinVar contains an entry for this variant (Variation ID: 846957). For these reasons, this variant has been classified as Pathogenic.

Fulgent Genetics
Classification: Pathogenic for Ovarian cancer; Lung cancer; Autosomal recessive juvenile Parkinson disease 2. Last evaluated: 2024-06-06. Review status: criteria provided, single submitter. Criteria: ACMG Guidelines, 2015. Collection method: clinical testing. Allele origin: germline.

Mayo Clinic Laboratories, Mayo Clinic
Classification: Pathogenic. Last evaluated: 2023-06-22. Review status: criteria provided, single submitter. Criteria: ACMG Guidelines, 2015. Collection method: clinical testing. Allele origin: germline. Observed: 2 variant alleles.
Comment: PM2, PM3, PVS1

GeneDx
Classification: Pathogenic. Last evaluated: 2023-03-22. Review status: criteria provided, single submitter. Criteria: GeneDx Variant Classification Process June 2021. Collection method: clinical testing. Allele origin: germline. Affected: yes.
Comment: Frameshift variant predicted to result in protein truncation or nonsense mediated decay in a gene for which loss-of-function is a known mechanism of disease; Also known as 438_477del using alternate nomenclature; This variant is associated with the following publications: (PMID: 11971093, 19891003, 26556299, 19636047, 23818421, 24375549, 28672806, 31324919)

Revvity Omics, Revvity
Classification: Pathogenic for Autosomal recessive juvenile Parkinson disease 2. Last evaluated: 2022-06-28. Review status: criteria provided, single submitter. Criteria: ACMG Guidelines, 2015. Collection method: clinical testing. Allele origin: germline.

Athena Diagnostics
Classification: Pathogenic. Last evaluated: 2022-04-01. Review status: criteria provided, single submitter. Criteria: Athena Diagnostics Criteria. Collection method: clinical testing. Allele origin: unknown.
Comment: This variant is expected to result in the loss of a functional protein. The frequency of this variant in the general population is consistent with pathogenicity. This variant has been identified in at least one individual with clinical features associated with this gene. In multiple individuals, this variant has been seen with a single recessive pathogenic variant in the same gene, suggesting this variant may also be pathogenic.

CENTOGENE GmbH and LLC - Guiding Precision Medicine
Classification: Pathogenic for Autosomal recessive juvenile Parkinson disease 2. Last evaluated: 2021-05-27. Review status: criteria provided, single submitter. Criteria: ACMG Guidelines, 2015. Collection method: clinical testing. Allele origin: germline. Affected: yes.

Genetic Services Laboratory, University of Chicago
Classification: Likely pathogenic. Last evaluated: 2020-10-22. Review status: criteria provided, single submitter. Criteria: ACMG Guidelines, 2015. Collection method: clinical testing. Allele origin: germline. Affected: yes.
Comment: DNA sequence analysis of the PARK2 gene demonstrated a 40 base pair deletion in exon 3, c.337_376del. This deletion results in an amino acid frameshift and creates a premature stop codon 50 amino acids downstream of the mutation, p.Pro113Thrfs*51. This deletion is predicted to result in an abnormal transcript, which may be degraded, or may lead to the production of a truncated PARK2 protein with potentially abnormal function. This deletion has been previously described in a patient with a gross deletion of exons 3 and 4 on the other allele (PMID: 19891003). This patient presented with early onset Parkinsonism and developed dopamine dysregulation syndrome (DDS) as a consequence of rotigotine therapy. Other deletions in the PARK2 gene have also been described in several patients with PARK2-related disorders (PMID: 19715670). This sequence change has been described in the gnomAD database with a low population frequency of 0.026%in non-Finnish European subpopulation (dbSNP rs771529549) ; however it has not been observed in homozygous state in any individuals. These collective evidences indicate that this sequence change is likely pathogenic, however functional studies have not been performed to prove this conclusively.

Literature cited by the submitters: PubMed 10072423 (cited by Labcorp Genetics (formerly Invitae), Labcorp); PubMed 20301651 (cited by Labcorp Genetics (formerly Invitae), Labcorp); PubMed 22956510 (cited by Labcorp Genetics (formerly Invitae), Labcorp); PubMed 19636047 (cited by Labcorp Genetics (formerly Invitae), Labcorp and Athena Diagnostics); PubMed 21996382 (cited by Mayo Clinic Laboratories, Mayo Clinic and Athena Diagnostics); PubMed 23818421 (cited by Mayo Clinic Laboratories, Mayo Clinic and Athena Diagnostics); PubMed 31147223 (cited by Mayo Clinic Laboratories, Mayo Clinic and Athena Diagnostics); PubMed 31324919 (cited by Mayo Clinic Laboratories, Mayo Clinic); PubMed 19891003 (cited by Athena Diagnostics); PubMed 15090472 (cited by Athena Diagnostics); PubMed 15197707 (cited by Athena Diagnostics); PubMed 15266615 (cited by Athena Diagnostics); PubMed 15390068 (cited by Athena Diagnostics); PubMed 16769863 (cited by Athena Diagnostics); PubMed 18413468 (cited by Athena Diagnostics); PubMed 19351622 (cited by Athena Diagnostics); PubMed 12114481 (cited by Athena Diagnostics); PubMed 12730996 (cited by Athena Diagnostics).

NM_004562.3(PRKN):c.337_376del (p.Pro113fs)

Gene: PRKN (parkin RBR E3 ubiquitin protein ligase; minus strand). Cytogenetic location: 6q26.
Variant type: Deletion.
Coding change: c.337_376del on transcript NM_004562.3 (MANE Select); coding-DNA positions 337 to 376, 40 bases deleted.
Protein change: p.Pro113fs; shifts the reading frame from proline 113.
Molecular consequence: frameshift variant. On other transcripts: intron variant (1).
Genome position (GRCh38, 1-based): chr6:162,262,561-162,262,600, 40 bases deleted. GRCh37 (hg19): chr6:162,683,593-162,683,632.
Other names: p.Pro113Thrfs*51; c.337_376del, p.Pro113fs (NM_013987.3); c.171+180710_171+180749del (NM_013988.3); short protein forms P113fs.
Identifiers: ClinVar variation 846957 (VCV000846957.30), dbSNP rs771529549, ClinGen allele CA4090408.
Genomic context (GRCh38, chr6:162,262,560, plus strand): 5'-AATAATCTTAGAGCATTCCAATTACCTGGACTTCCAGCTGGTGGTGAGTCCTTCCTGCTG[TCAGTGTGCAGAATGACAGCCAGCCCCACAGAGTCTCCTGG>T]GAGGACTGAGCTGCTGAGGTCCACCCGAGTCAAGCTCTGGGGCTCCCGCTCACAGCCTCC-3'